The following is an entry in ClinVar:

ClinVar aggregate classification (germline): Likely pathogenic. Review status: reviewed by expert panel (3 of 4 stars). 6 submissions from 6 submitters: Likely pathogenic (1). 5 of the submissions do not count toward it. Last evaluated 2026-03-23.

Conditions:
Neuromuscular disease caused by qualitative or quantitative defects of dysferlin. Also called: Dysferlinopathy; Qualitative or quantitative defects of dysferlin. Identifiers: Orphanet 207073, MedGen C2931687, MONDO:0016145.
Autosomal recessive limb-girdle muscular dystrophy. Identifiers: Orphanet 102015, MedGen C2931907, MONDO:0015152.
Autosomal recessive limb-girdle muscular dystrophy type 2B (LGMDR2). Also called: Limb-Girdle Muscular Dystrophy Type 2B (LGMD2B); MUSCULAR DYSTROPHY, LIMB-GIRDLE, TYPE 3; Limb-girdle muscular dystrophy, type 2B; MUSCULAR DYSTROPHY, LIMB-GIRDLE, AUTOSOMAL RECESSIVE 2. Identifiers: Orphanet 268, MedGen C1850889, MONDO:0009676, OMIM 253601.
Miyoshi muscular dystrophy 1 (MMD1). Identifiers: Orphanet 45448, MedGen C4551973, MONDO:0024545, OMIM 254130.

Submissions (6):

ClinGen Limb Girdle Muscular Dystrophy Variant Curation Expert Panel, ClinGen
Classification: Likely pathogenic for Autosomal recessive limb-girdle muscular dystrophy. Last evaluated: 2026-03-23. Review status: reviewed by expert panel. Criteria: ClinGen LGMD VCEP ACMG Specifications DYSF V2.0.0. Collection method: curation. Allele origin: germline. Inheritance: Autosomal recessive inheritance.
Comment: The NM_003494.4: c.1178_1180+4dup variant in DYSF, which is also known as NM_001130987.2: c.1274_1276+4dup, is a duplication of 7 nucleotides spanning the boundary between exon 12 and intron 12, causing exon 12 to be extended by 7 bp and introducing a frameshift and premature truncation, p.(Met394SerfsTer20), with nonsense mediated decay expected (PVS1). While the GT at the original +1,2 position is maintained in the presence of the duplication, the splice donor at the original exon-intron boundary is not expected to be used because it is ablated by the duplication-induced replacement of GT with AG at the original +5,6 position. This variant has been observed in a heterozygous state in two patients with a clinical suspicion of LGMD or other muscular dystrophy, including one with a complete absence of dysferlin immunostaining in skeletal muscle. However, no second allele was identified in either case (PMID: 18832576, 30564623; LOVD Individual 00222254) (PM3_Supporting and PP4 not met). The upper threshold of the 95% CI of the Grpmax variant allele frequency is 0.0001051 in gnomAD v4.1.0 (3/73748 African/African American chromosomes), which is greater than the ClinGen LGMD VCEP threshold for PM2_Supporting (<0.0001) (PM2_Supporting not met). In summary, this variant meets criteria to be classified as Likely pathogenic for autosomal recessive limb girdle muscular dystrophy based on the ACMG/AMP criteria applied, as specified by the ClinGen LGMD VCEP (specifications version 2.0.0; 03/23/2026): PVS1.

Natera, Inc.
Classification: Likely pathogenic for Limb-girdle muscular dystrophy type 2B. Last evaluated: 2024-09-30. Review status: criteria provided, single submitter. Criteria: Natera Variant Classification Schema (03/2026). Collection method: clinical testing. Allele origin: germline. Not counted in ClinVar's aggregate classification.
Comment: The c.1178_1180+4dup variant in DYSF is a frameshift variant predicted to shift the reading frame and introduce a stop codon. This variant is expected to result in nonsense mediated decay, truncation, or a dysfunctional protein product. This variant is rare in the general population with a frequency below the threshold expected for the associated phenotype(s). Given the available evidence, this variant is classified as Likely Pathogenic.

Labcorp Genetics (formerly Invitae), Labcorp
Classification: Uncertain significance for Neuromuscular disease caused by qualitative or quantitative defects of dysferlin. Last evaluated: 2023-06-30. Review status: criteria provided, single submitter. Criteria: Invitae Variant Classification Sherloc (09022015). Collection method: clinical testing. Allele origin: germline. Not counted in ClinVar's aggregate classification.
Comment: In summary, the available evidence is currently insufficient to determine the role of this variant in disease. Therefore, it has been classified as a Variant of Uncertain Significance. Variants that disrupt the consensus splice site are a relatively common cause of aberrant splicing (PMID: 17576681, 9536098). Algorithms developed to predict the effect of sequence changes on RNA splicing suggest that this variant is not likely to affect RNA splicing. ClinVar contains an entry for this variant (Variation ID: 497131). This variant has been observed in individual(s) with DYSF-related conditions (PMID: 18832576). This variant is present in population databases (rs768425085, gnomAD 0.004%). This sequence change falls in intron 12 of the DYSF gene. It does not directly change the encoded amino acid sequence of the DYSF protein. It affects a nucleotide within the consensus splice site.

Baylor Genetics
Classification: Likely pathogenic for Miyoshi muscular dystrophy 1. Last evaluated: 2022-02-16. Review status: criteria provided, single submitter. Criteria: ACMG Guidelines, 2015. Collection method: clinical testing. Allele origin: unknown. Not counted in ClinVar's aggregate classification.

Eurofins Ntd Llc (ga)
Classification: Pathogenic. Last evaluated: 2016-08-08. Review status: criteria provided, single submitter. Criteria: EGL Classification Definitions 2015. Collection method: clinical testing. Allele origin: germline. Observed: 2 variant alleles, 2 heterozygotes. Not counted in ClinVar's aggregate classification.

Counsyl
Classification: Uncertain significance for Autosomal recessive limb-girdle muscular dystrophy type 2B. Last evaluated: 2017-11-03. Review status: no assertion criteria provided. Collection method: clinical testing. Allele origin: unknown. Not counted in ClinVar's aggregate classification.

Literature cited by the submitters: PubMed 17576681 (cited by Labcorp Genetics (formerly Invitae), Labcorp); PubMed 9536098 (cited by Labcorp Genetics (formerly Invitae), Labcorp); PubMed 18832576 (cited by Labcorp Genetics (formerly Invitae), Labcorp and Counsyl).

NM_001130987.2(DYSF):c.1274_1276+4dup

Gene: DYSF (dysferlin; plus strand). Cytogenetic location: 2p13.2.
Variant type: Duplication.
Coding change: c.1274_1276+4dup on transcript NM_001130987.2 (MANE Select); coding-DNA position 1274 through 4 bases into the intron after coding-DNA position 1276, 7 bases duplicated (AGAGTGC; older notation c.1274_1276+4dupAGAGTGC).
Molecular consequence: splice donor variant.
Genome position (GRCh38, 1-based): chr2:71,526,344-71,526,350, AGAGTGC duplicated; duplicating any 7 consecutive bases within chr2:71,526,342-71,526,350 gives the same sequence; the c. name uses the placement nearest the transcript's 3' end. VCF-style (leftmost placement, unchanged base first): chr2-71526341-C-CGCAGAGT. GRCh37 (hg19) VCF-style: chr2-71753471-C-CGCAGAGT.
Other names: c.1178_1180+4dup (NM_003494.3, NM_001130978.2, NM_003494.4 and 2 more transcripts); c.1271_1273+4dup (NM_001130979.2, NM_001130981.2, NM_001130980.2); c.1274_1276+4dup (NM_001130982.2, NM_001130985.2); c.1181_1183+4dup (NM_001130983.2, NM_001130455.2, NM_001130984.2 and 1 more transcripts).
Identifiers: ClinVar variation 497131 (VCV000497131.12), dbSNP rs768425085, ClinGen allele CA1705669.